The following is an entry in ClinVar:

ClinVar aggregate classification (germline): Uncertain significance. Review status: criteria provided, multiple submitters, no conflicts (2 of 4 stars). 2 submissions from 2 submitters: Uncertain significance (2). Last evaluated 2025-10-05.

Conditions:
Hereditary cancer-predisposing syndrome. Also called: Neoplastic Syndromes, Hereditary; Tumor predisposition; Hereditary neoplastic syndrome; Hereditary Cancer Syndrome. Identifiers: Orphanet 140162, MedGen C0027672, MeSH D009386, MONDO:0015356.
Neuroblastoma, susceptibility to, 3. Also called: ALK-Related Neuroblastic Tumor Susceptibility. Identifiers: Orphanet 635, MedGen C2751681, MONDO:0013083, OMIM 613014.

Submissions (2):

Ambry Genetics
Classification: Uncertain significance for Hereditary cancer-predisposing syndrome. Last evaluated: 2025-10-05. Review status: criteria provided, single submitter. Criteria: Ambry Variant Classification Scheme 2023. Collection method: clinical testing. Allele origin: germline.
Comment: The p.P1260L variant (also known as c.3779C>T), located in coding exon 25 of the ALK gene, results from a C to T substitution at nucleotide position 3779. The proline at codon 1260 is replaced by leucine, an amino acid with similar properties. This amino acid position is conserved. In addition, the in silico prediction for this alteration is inconclusive. Based on the available evidence, the clinical significance of this variant remains unclear.

Labcorp Genetics (formerly Invitae), Labcorp
Classification: Uncertain significance for Neuroblastoma, susceptibility to, 3. Last evaluated: 2022-03-13. Review status: criteria provided, single submitter. Criteria: Invitae Variant Classification Sherloc (09022015). Collection method: clinical testing. Allele origin: germline.
Comment: This variant has not been reported in the literature in individuals affected with ALK-related conditions. This variant is not present in population databases (gnomAD no frequency). This sequence change replaces proline, which is neutral and non-polar, with leucine, which is neutral and non-polar, at codon 1260 of the ALK protein (p.Pro1260Leu). In summary, the available evidence is currently insufficient to determine the role of this variant in disease. Therefore, it has been classified as a Variant of Uncertain Significance. Algorithms developed to predict the effect of missense changes on protein structure and function are either unavailable or do not agree on the potential impact of this missense change (SIFT: "Deleterious"; PolyPhen-2: "Benign"; Align-GVGD: "Class C0").

NM_004304.5(ALK):c.3779C>T (p.Pro1260Leu)

Gene: ALK (ALK receptor tyrosine kinase; minus strand). Cytogenetic location: 2p23.2.
Variant type: single nucleotide variant.
Coding change: c.3779C>T on transcript NM_004304.5 (MANE Select); coding-DNA position 3779, C replaced by T.
Protein change: p.Pro1260Leu; replaces proline 1260 with leucine.
Molecular consequence: missense variant.
Genome position (GRCh38, 1-based): chr2:29,209,843, G>A on the plus strand (C>T on the coding strand, the complement: ALK is on the minus strand). VCF-style: chr2-29209843-G-A. GRCh37 (hg19) VCF-style: chr2-29432709-G-A.
Other names: c.575C>T, p.Pro192Leu (NM_001353765.2); c.3779C>T (NM_004304.4); short protein forms P1260L, P192L.
Identifiers: ClinVar variation 1916821 (VCV001916821.6), dbSNP rs1204300287, ClinGen allele CA346469730.